The following is an entry in ClinVar:

NM_145868.2(ANXA11):c.282dup (p.Ser95fs)

Genes: ANXA11 (annexin A11; minus strand), LOC130004184 (ATAC-STARR-seq lymphoblastoid silent region 2543; plus strand). Cytogenetic location: 10q22.3.
Variant type: Duplication.
Coding change: c.282dup on transcript NM_145868.2 (MANE Select); coding-DNA position 282, one base duplicated (C; older notation c.282dupC).
Protein change: p.Ser95fs; shifts the reading frame from serine 95.
Molecular consequence: frameshift variant.
Genome position (GRCh38, 1-based): chr10:80,169,248, G duplicated on the plus strand (C on the coding strand, the reverse complement: ANXA11 is on the minus strand); the first of 6 consecutive G bases (chr10:80,169,248-80,169,253); duplicating any one gives the same sequence. VCF-style (leftmost placement, unchanged base first): chr10-80169247-A-AG. GRCh37 (hg19) VCF-style: chr10-81929003-A-AG.
Other names: c.282dupC (NM_145869.1); c.282dup, p.Ser95fs (NM_145869.2, NM_001157.3, NM_001278407.2 and 1 more transcripts); c.183dup, p.Ser62fs (NM_001278409.2); short protein forms S95fs, S62fs.
Identifiers: ClinVar variation 1376315 (VCV001376315.8), dbSNP rs759677084, ClinGen allele CA5576319.
Genomic context (GRCh38, chr10:80,169,247, plus strand): 5'-AGGGTGGGTTTCCTCCTGGGGGTGGATACATCCCATAGGGAGGAACAGGCTGCTGGGCAG[A>AG]GGGGGGCTGCCCAAAGCCGCCAGGGGGCACTGGTGGGTAGCCAGCCCCAGGGGCCCCAGG-3'

ClinVar aggregate classification (germline): Uncertain significance. Review status: criteria provided, single submitter (1 of 4 stars). 2 submissions from 2 submitters: Uncertain significance (1). 1 of the submissions does not count toward it. Last evaluated 2024-03-20.

Conditions:
ANXA11-related disorder. Also called: ANXA11-related condition.

Submissions (2):

Labcorp Genetics (formerly Invitae), Labcorp
Classification: Uncertain significance. Last evaluated: 2024-03-20. Review status: criteria provided, single submitter. Criteria: Invitae Variant Classification Sherloc (09022015). Collection method: clinical testing. Allele origin: germline.
Comment: This sequence change creates a premature translational stop signal (p.Ser95Leufs*102) in the ANXA11 gene. It is expected to result in an absent or disrupted protein product. However, the current clinical and genetic evidence is not sufficient to establish whether loss-of-function variants in ANXA11 cause disease. This variant is present in population databases (rs759677084, gnomAD 0.02%). This variant has not been reported in the literature in individuals affected with ANXA11-related conditions. ClinVar contains an entry for this variant (Variation ID: 1376315). In summary, the available evidence is currently insufficient to determine the role of this variant in disease. Therefore, it has been classified as a Variant of Uncertain Significance.

PreventionGenetics, part of Exact Sciences
Classification: Uncertain significance for ANXA11-related condition. Last evaluated: 2023-10-21. Review status: no assertion criteria provided. Collection method: clinical testing. Allele origin: germline. Not counted in ClinVar's aggregate classification.
Comment: The ANXA11 c.282dupC variant is predicted to result in a frameshift and premature protein termination (p.Ser95Leufs*102). To our knowledge, this variant has not been reported in the literature. This variant is reported in 0.017% of alleles in individuals of East Asian descent in gnomAD. Loss-of-function is not an established mechanism in ANXA11. At this time, the clinical significance of this variant is uncertain due to the absence of conclusive functional and genetic evidence.